The following is an entry in ClinVar:

NM_153816.6(SNX14):c.1800T>C (p.Asp600=)

Gene: SNX14 (sorting nexin 14; minus strand). Cytogenetic location: 6q14.3.
Variant type: single nucleotide variant.
Coding change: c.1800T>C on transcript NM_153816.6 (MANE Select); coding-DNA position 1800, T replaced by C.
Protein change: p.Asp600=; no amino-acid change (aspartic acid 600 retained).
Molecular consequence: synonymous variant. On other transcripts: non-coding transcript variant (6).
Genome position (GRCh38, 1-based): chr6:85,533,609, A>G on the plus strand (T>C on the coding strand, the complement: SNX14 is on the minus strand). VCF-style: chr6-85533609-A-G. GRCh37 (hg19) VCF-style: chr6-86243327-A-G.
Other names: c.1773T>C, p.Asp591= (NM_001297614.3, NM_001350541.2); c.1644T>C, p.Asp548= (NM_001304479.2); c.1863T>C, p.Asp621= (NM_001350532.2); c.1797T>C, p.Asp599= (NM_001350533.2, NM_001350535.2); c.1770T>C, p.Asp590= (NM_001350534.2); c.1668T>C, p.Asp556= (NM_001350536.2); c.1665T>C, p.Asp555= (NM_001350537.2); c.1656T>C, p.Asp552= (NM_001350538.2); and 9 more.
Identifiers: ClinVar variation 3047177 (VCV003047177.2), dbSNP rs546991790, ClinGen allele CA3912042.

ClinVar aggregate classification (germline): Likely benign (0 of 4 stars; one submission).

Conditions:
SNX14-related disorder. Also called: SNX14-related condition.

Allele frequency attached by ClinVar (database versions not stated): TOPMed 0.00001; gnomAD 0.00003; ExAC 0.00011; 1000 Genomes Project 30x 0.00031; 1000 Genomes Project 0.00040.
gnomAD v4.1: 83 of 1,612,938 alleles (0.0051%); highest among the groups gnomAD compares: South Asian, 0.089%; 1 homozygote.

Submission:

PreventionGenetics, part of Exact Sciences
Classification: Likely benign for SNX14-related condition. Last evaluated: 2019-04-15. Review status: no assertion criteria provided. Collection method: clinical testing. Allele origin: germline.
Comment: This variant is classified as likely benign based on ACMG/AMP sequence variant interpretation guidelines (Richards et al. 2015 PMID: 25741868, with internal and published modifications).